The following is an entry in ClinVar:

ClinVar aggregate classification (germline): Pathogenic/Likely pathogenic. Review status: criteria provided, multiple submitters, no conflicts (2 of 4 stars). 3 submissions from 3 submitters: Pathogenic (1); Likely pathogenic (2). Last evaluated 2023-10-19.

Conditions:
Junctional epidermolysis bullosa. Identifiers: Orphanet 305, MedGen C0079301, MONDO:0017612.

Allele frequency attached by ClinVar (database versions not stated): gnomAD exomes below 0.00001; ExAC 0.00001; gnomAD 0.00001; TOPMed 0.00001.
gnomAD v4.1: 3 of 1,613,922 alleles (0.00019%); highest among the groups gnomAD compares: Non-Finnish European, 0.00025%; no homozygotes.

Submissions (3):

Women's Health and Genetics/Laboratory Corporation of America, LabCorp
Classification: Likely pathogenic for Junctional epidermolysis bullosa. Last evaluated: 2023-10-19. Review status: criteria provided, single submitter. Criteria: LabCorp Variant Classification Summary - May 2015. Collection method: clinical testing. Allele origin: germline.
Comment: Variant summary: LAMB3 c.877T>A (p.Cys293Ser) results in a non-conservative amino acid change located in the Laminin-type EGF domain (IPR002049) of the encoded protein sequence. Five of five in-silico tools predict a damaging effect of the variant on protein function. The variant allele was found at a frequency of 4e-06 in 251428 control chromosomes. c.877T>A has been reported in the literature in as a compound heterozygous genotype in at-least two individuals affected with Junctional Epidermolysis Bullosa (example, Pulkkinen_1998, Robbins_2001 cited in Nakano_2002). To our knowledge, no experimental evidence demonstrating an impact on protein function has been reported. The following publications have been ascertained in the context of this evaluation (PMID: 15538630, 11810295, 9690563, 11296269, 36246619). Two submitters have cited clinical-significance assessments for this variant to ClinVar after 2014. All submitters classified the variant as pathogenic/likely pathogenic. Based on the evidence outlined above, the variant was classified as likely pathogenic.

Labcorp Genetics (formerly Invitae), Labcorp
Classification: Pathogenic. Last evaluated: 2023-05-26. Review status: criteria provided, single submitter. Criteria: Invitae Variant Classification Sherloc (09022015). Collection method: clinical testing. Allele origin: germline.
Comment: Advanced modeling of protein sequence and biophysical properties (such as structural, functional, and spatial information, amino acid conservation, physicochemical variation, residue mobility, and thermodynamic stability) performed at Invitae indicates that this missense variant is expected to disrupt LAMB3 protein function. This variant is present in population databases (rs759084687, gnomAD 0.0009%). This missense change has been observed in individual(s) with autosomal recessive junctional epidermolysis bullosa (PMID: 9690563, 11810295). In at least one individual the data is consistent with being in trans (on the opposite chromosome) from a pathogenic variant. ClinVar contains an entry for this variant (Variation ID: 1803490). This sequence change replaces cysteine, which is neutral and slightly polar, with serine, which is neutral and polar, at codon 293 of the LAMB3 protein (p.Cys293Ser). For these reasons, this variant has been classified as Pathogenic.

GeneDx
Classification: Likely pathogenic. Last evaluated: 2022-12-12. Review status: criteria provided, single submitter. Criteria: GeneDx Variant Classification Process June 2021. Collection method: clinical testing. Allele origin: germline. Affected: yes.
Comment: Not observed at significant frequency in large population cohorts (gnomAD); In silico analysis supports that this missense variant has a deleterious effect on protein structure/function; This variant is associated with the following publications: (PMID: 16473856, 9690563)

Literature cited by the submitters: PubMed 11810295 (cited by Women's Health and Genetics/Laboratory Corporation of America, LabCorp and Labcorp Genetics (formerly Invitae), Labcorp); PubMed 15538630 (cited by Women's Health and Genetics/Laboratory Corporation of America, LabCorp); PubMed 11296269 (cited by Women's Health and Genetics/Laboratory Corporation of America, LabCorp); PubMed 9690563 (cited by Women's Health and Genetics/Laboratory Corporation of America, LabCorp and Labcorp Genetics (formerly Invitae), Labcorp); PubMed 36246619 (cited by Women's Health and Genetics/Laboratory Corporation of America, LabCorp).

NM_000228.3(LAMB3):c.877T>A (p.Cys293Ser)

Gene: LAMB3 (laminin subunit beta 3; minus strand). Cytogenetic location: 1q32.2.
Variant type: single nucleotide variant.
Coding change: c.877T>A on transcript NM_000228.3 (MANE Select); coding-DNA position 877, T replaced by A.
Protein change: p.Cys293Ser; replaces cysteine 293 with serine.
Molecular consequence: missense variant.
Genome position (GRCh38, 1-based): chr1:209,630,681, A>T on the plus strand (T>A on the coding strand, the complement: LAMB3 is on the minus strand). VCF-style: chr1-209630681-A-T. GRCh37 (hg19) VCF-style: chr1-209804026-A-T.
Other names: c.877T>A, p.Cys293Ser (NM_001017402.2, NM_001127641.1); short protein forms C293S.
Identifiers: ClinVar variation 1803490 (VCV001803490.7), dbSNP rs759084687, ClinGen allele CA1375797.